The following is an entry in ClinVar:

NM_001099293.3(KIF4B):c.1593C>T (p.Asn531=)

Gene: KIF4B (kinesin family member 4B; plus strand). Cytogenetic location: 5q33.2.
Variant type: single nucleotide variant.
Coding change: c.1593C>T on transcript NM_001099293.3 (MANE Select); coding-DNA position 1593, C replaced by T.
Protein change: p.Asn531=; no amino-acid change (asparagine 531 retained).
Molecular consequence: synonymous variant.
Genome position (GRCh38, 1-based): chr5:155,015,452, C>T. VCF-style: chr5-155015452-C-T. GRCh37 (hg19) VCF-style: chr5-154395012-C-T.
Identifiers: ClinVar variation 2655982 (VCV002655982.24), dbSNP rs376240086, ClinGen allele CA3530053.

ClinVar aggregate classification (germline): Likely benign (1 of 4 stars; one submission).

Allele frequency attached by ClinVar (database versions not stated): TOPMed 0.00015; ExAC 0.00016; gnomAD exomes 0.00017; gnomAD 0.00023; 1000 Genomes Project 30x 0.00031; 1000 Genomes Project 0.00040; ESP Exome Variant Server 0.00054.
gnomAD v4.1: 279 of 1,614,160 alleles (0.017%); highest among the groups gnomAD compares: Non-Finnish European, 0.021%; no homozygotes.

Submission:

CeGaT Center for Human Genetics Tuebingen
Classification: Likely benign. Last evaluated: 2022-03-01. Review status: criteria provided, single submitter. Criteria: CeGaT Center For Human Genetics Tuebingen Variant Classification Criteria Version 2. Collection method: clinical testing. Allele origin: germline. Affected: yes. Observed: 1 variant allele.
Comment: KIF4B: BP4, BP7